The following is an entry in ClinVar:

ClinVar aggregate classification (germline): Uncertain significance (1 of 4 stars; one submission).

Allele frequency attached by ClinVar (database versions not stated): ExAC 0.00001.
gnomAD v4.1: 19 of 1,612,450 alleles (0.0012%); highest among the groups gnomAD compares: East Asian, 0.029%; no homozygotes.

Submission:

Labcorp Genetics (formerly Invitae), Labcorp
Classification: Uncertain significance. Last evaluated: 2025-12-15. Review status: criteria provided, single submitter. Criteria: Invitae Variant Classification Sherloc (09022015). Collection method: clinical testing. Allele origin: germline.
Comment: This sequence change replaces glutamine, which is neutral and polar, with lysine, which is basic and polar, at codon 112 of the HACD1 protein (p.Gln112Lys). This variant is present in population databases (rs782258194, gnomAD 0.006%). This variant has not been reported in the literature in individuals affected with HACD1-related conditions. ClinVar contains an entry for this variant (Variation ID: 2056074). Invitae Evidence Modeling of protein sequence and biophysical properties (such as structural, functional, and spatial information, amino acid conservation, physicochemical variation, residue mobility, and thermodynamic stability) indicates that this missense variant is not expected to disrupt HACD1 protein function with a negative predictive value of 80%. In summary, the available evidence is currently insufficient to determine the role of this variant in disease. Therefore, it has been classified as a Variant of Uncertain Significance.

NM_014241.4(HACD1):c.334C>A (p.Gln112Lys)

Gene: HACD1 (3-hydroxyacyl-CoA dehydratase 1; minus strand). Cytogenetic location: 10p12.33.
Variant type: single nucleotide variant.
Coding change: c.334C>A on transcript NM_014241.4 (MANE Select); coding-DNA position 334, C replaced by A.
Protein change: p.Gln112Lys; replaces glutamine 112 with lysine.
Molecular consequence: missense variant.
Genome position (GRCh38, 1-based): chr10:17,603,971, G>T on the plus strand (C>A on the coding strand, the complement: HACD1 is on the minus strand). VCF-style: chr10-17603971-G-T. GRCh37 (hg19) VCF-style: chr10-17645970-G-T.
Other names: short protein forms Q112K.
Identifiers: ClinVar variation 2056074 (VCV002056074.4), dbSNP rs782258194, ClinGen allele CA5427361.